The following is an entry in ClinVar:

NM_002016.2(FLG):c.5186C>G (p.Ser1729Ter)

Genes: FLG (filaggrin; minus strand), FLG-AS1 (FLG antisense RNA 1; plus strand). Cytogenetic location: 1q21.3.
Variant type: single nucleotide variant.
Coding change: c.5186C>G on transcript NM_002016.2 (MANE Select); coding-DNA position 5186, C replaced by G.
Protein change: p.Ser1729Ter; replaces serine 1729 with a stop codon.
Molecular consequence: nonsense.
Genome position (GRCh38, 1-based): chr1:152,309,700, G>C on the plus strand (C>G on the coding strand, the complement: FLG is on the minus strand). VCF-style: chr1-152309700-G-C. GRCh37 (hg19) VCF-style: chr1-152282176-G-C.
Other names: short protein forms S1729*.
Identifiers: ClinVar variation 503619 (VCV000503619.2), dbSNP rs1203718709, ClinGen allele CA342067226.

ClinVar aggregate classification (germline): Pathogenic (1 of 4 stars; one submission).

Allele frequency attached by ClinVar (database versions not stated): gnomAD exomes below 0.00001; TOPMed 0.00002 and 0.00001; gnomAD 0.00001.
gnomAD v4.1: 6 of 1,613,886 alleles (0.00037%); highest among the groups gnomAD compares: Middle Eastern, 0.016%; no homozygotes.

Submission:

GeneDx
Classification: Pathogenic. Last evaluated: 2018-02-23. Review status: criteria provided, single submitter. Criteria: GeneDx Variant Classification (06012015). Collection method: clinical testing. Allele origin: germline. Affected: yes.
Comment: The S1729X pathogenic variant in the FLG gene has not been reported previously as a pathogenic variant, nor as a benign variant, to our knowledge. This variant is predicted to cause loss of normal protein function through protein truncation. The S1729X variant is observed in 1/111,704 (0.01%) alleles from individuals of non-Finnish European background in large population cohorts (Lek et al., 2016). We interpret S1729X as a pathogenic variant.